The following is an entry in ClinVar:

ClinVar aggregate classification (germline): Likely pathogenic (1 of 4 stars; one submission).

Conditions:
Hereditary spastic paraplegia 15 (SPG15). Also called: SPASTIC PARAPLEGIA 15, AUTOSOMAL RECESSIVE; KJELLIN SYNDROME; SPASTIC PARAPLEGIA AND RETINAL DEGENERATION. Identifiers: Orphanet 100996, MedGen C1849128, MONDO:0010044, OMIM 270700.

Submission:

Myriad Genetics, Inc.
Classification: Likely pathogenic for Hereditary spastic paraplegia 15. Last evaluated: 2021-12-30. Review status: criteria provided, single submitter. Criteria: Myriad Women's Health Autosomal Recessive and X-Linked Classification Criteria (2021). Collection method: clinical testing. Allele origin: unknown.
Comment: NM_015346.3(ZFYVE26):c.3777_3779delACAinsT(H1260Rfs*7) is expected to be pathogenic in the context of spastic paraplegia type 15. This variant is predicted to lead to an abnormal or absent protein product due to the creation of a premature termination codon in ZFYVE26, a gene where loss-of-function variants are known to be pathogenic. Please note: this variant was assessed in the context of healthy population screening.

NM_015346.4(ZFYVE26):c.3777_3779delinsT (p.His1260fs)

Gene: ZFYVE26 (zinc finger FYVE-type containing 26; minus strand). Cytogenetic location: 14q24.1.
Variant type: Indel.
Coding change: c.3777_3779delinsT on transcript NM_015346.4 (MANE Select); coding-DNA positions 3777 to 3779, ACA replaced by T.
Protein change: p.His1260fs; shifts the reading frame from histidine 1260.
Molecular consequence: frameshift variant.
Genome position (GRCh38, 1-based): chr14:67,783,373-67,783,375, TGT replaced by A on the plus strand (ACA replaced by T on the coding strand, the reverse complement: ZFYVE26 is on the minus strand). VCF-style: chr14-67783373-TGT-A. GRCh37 (hg19) VCF-style: chr14-68250090-TGT-A.
Other names: short protein forms H1260fs.
Identifiers: ClinVar variation 1726660 (VCV001726660.2), dbSNP rs2502807427, ClinGen allele CA2580088578.